The following is an entry in ClinVar:

ClinVar aggregate classification (germline): Uncertain significance (1 of 4 stars; one submission).

Submission:

Labcorp Genetics (formerly Invitae), Labcorp
Classification: Uncertain significance. Last evaluated: 2022-09-19. Review status: criteria provided, single submitter. Criteria: Invitae Variant Classification Sherloc (09022015). Collection method: clinical testing. Allele origin: germline.
Comment: In summary, the available evidence is currently insufficient to determine the role of this variant in disease. Therefore, it has been classified as a Variant of Uncertain Significance. Algorithms developed to predict the effect of missense changes on protein structure and function (SIFT, PolyPhen-2, Align-GVGD) all suggest that this variant is likely to be tolerated. This variant has not been reported in the literature in individuals affected with CRIPT-related conditions. This variant is not present in population databases (gnomAD no frequency). This sequence change replaces asparagine, which is neutral and polar, with histidine, which is basic and polar, at codon 95 of the CRIPT protein (p.Asn95His).

NM_014171.6(CRIPT):c.283A>C (p.Asn95His)

Gene: CRIPT (CXXC repeat containing interactor of PDZ3 domain; plus strand). Cytogenetic location: 2p21.
Variant type: single nucleotide variant.
Coding change: c.283A>C on transcript NM_014171.6 (MANE Select); coding-DNA position 283, A replaced by C.
Protein change: p.Asn95His; replaces asparagine 95 with histidine.
Molecular consequence: missense variant.
Genome position (GRCh38, 1-based): chr2:46,624,204, A>C. VCF-style: chr2-46624204-A-C. GRCh37 (hg19) VCF-style: chr2-46851343-A-C.
Other names: short protein forms N95H.
Identifiers: ClinVar variation 2098758 (VCV002098758.4), dbSNP rs1362764959, ClinGen allele CA346702324.